The following is an entry in ClinVar:

ClinVar aggregate classification (germline): Uncertain significance. Review status: criteria provided, multiple submitters, no conflicts (2 of 4 stars). 2 submissions from 2 submitters: Uncertain significance (2). Last evaluated 2025-01-23.

Conditions:
Hereditary cancer-predisposing syndrome. Also called: Neoplastic Syndromes, Hereditary; Tumor predisposition; Hereditary neoplastic syndrome; Hereditary Cancer Syndrome. Identifiers: Orphanet 140162, MedGen C0027672, MeSH D009386, MONDO:0015356.

Submissions (2):

Ambry Genetics
Classification: Uncertain significance for Hereditary cancer-predisposing syndrome. Last evaluated: 2025-01-23. Review status: criteria provided, single submitter. Criteria: Ambry Variant Classification Scheme 2023. Collection method: clinical testing. Allele origin: germline.
Comment: The p.E19D variant (also known as c.57G>T), located in coding exon 1 of the CTNNA1 gene, results from a G to T substitution at nucleotide position 57. The glutamic acid at codon 19 is replaced by aspartic acid, an amino acid with highly similar properties. This amino acid position is conserved. In addition, the in silico prediction for this alteration is inconclusive. Based on the available evidence, the clinical significance of this variant remains unclear.

Labcorp Genetics (formerly Invitae), Labcorp
Classification: Uncertain significance. Last evaluated: 2024-04-14. Review status: criteria provided, single submitter. Criteria: Invitae Variant Classification Sherloc (09022015). Collection method: clinical testing. Allele origin: germline.
Comment: This sequence change replaces glutamic acid, which is acidic and polar, with aspartic acid, which is acidic and polar, at codon 19 of the CTNNA1 protein (p.Glu19Asp). This variant is not present in population databases (gnomAD no frequency). This variant has not been reported in the literature in individuals affected with CTNNA1-related conditions. Advanced modeling of protein sequence and biophysical properties (such as structural, functional, and spatial information, amino acid conservation, physicochemical variation, residue mobility, and thermodynamic stability) performed at Invitae indicates that this missense variant is not expected to disrupt CTNNA1 protein function with a negative predictive value of 80%. In summary, the available evidence is currently insufficient to determine the role of this variant in disease. Therefore, it has been classified as a Variant of Uncertain Significance.

NM_001903.5(CTNNA1):c.57G>T (p.Glu19Asp)

Gene: CTNNA1 (catenin alpha 1; plus strand). Cytogenetic location: 5q31.2.
Variant type: single nucleotide variant.
Coding change: c.57G>T on transcript NM_001903.5 (MANE Select); coding-DNA position 57, G replaced by T.
Protein change: p.Glu19Asp; replaces glutamic acid 19 with aspartic acid.
Molecular consequence: missense variant. On other transcripts: 5 prime UTR variant (2).
Genome position (GRCh38, 1-based): chr5:138,781,981, G>T. VCF-style: chr5-138781981-G-T. GRCh37 (hg19) VCF-style: chr5-138117670-G-T.
Other names: c.57G>T, p.Glu19Asp (NM_001323983.1, NM_001323984.2, NM_001323985.2 and 3 more transcripts); c.-57G>T (NM_001290309.3); c.-150G>T (NM_001290310.3); c.57G>T (NM_001903.2); short protein forms E19D.
Identifiers: ClinVar variation 3649873 (VCV003649873.3).